The following is an entry in ClinVar:

ClinVar aggregate classification (germline): Likely pathogenic (1 of 4 stars; one submission).

Conditions:
Early-infantile DEE. Also called: Ohtahara syndrome; Early infantile epileptic encephalopathy with suppression bursts; Early infantile epileptic encephalopathy. Identifiers: Orphanet 1934, MedGen C0393706, MONDO:0800491.

Submission:

Labcorp Genetics (formerly Invitae), Labcorp
Classification: Likely pathogenic for Early-infantile DEE. Last evaluated: 2020-07-30. Review status: criteria provided, single submitter. Criteria: Invitae Variant Classification Sherloc (09022015). Collection method: clinical testing. Allele origin: germline.
Comment: In summary, the currently available evidence indicates that the variant is pathogenic, but additional data are needed to prove that conclusively. Therefore, this variant has been classified as Likely Pathogenic. This variant disrupts the p.Cys968 amino acid residue in SCN1A. Other variant(s) that disrupt this residue have been determined to be pathogenic (Invitae). This suggests that this residue is clinically significant, and that variants that disrupt this residue are likely to be disease-causing. Advanced modeling of protein sequence and biophysical properties (such as structural, functional, and spatial information, amino acid conservation, physicochemical variation, residue mobility, and thermodynamic stability) performed at Invitae indicates that this missense variant is expected to disrupt SCN1A protein function. This variant has not been reported in the literature in individuals with SCN1A-related conditions. This variant is not present in population databases (ExAC no frequency). This sequence change replaces cysteine with tryptophan at codon 968 of the SCN1A protein (p.Cys968Trp). The cysteine residue is highly conserved and there is a large physicochemical difference between cysteine and tryptophan.

NM_001165963.4(SCN1A):c.2904C>G (p.Cys968Trp)

Gene: SCN1A (sodium voltage-gated channel alpha subunit 1; minus strand). Cytogenetic location: 2q24.3.
Variant type: single nucleotide variant.
Coding change: c.2904C>G on transcript NM_001165963.4 (MANE Select); coding-DNA position 2904, C replaced by G.
Protein change: p.Cys968Trp; replaces cysteine 968 with tryptophan.
Molecular consequence: missense variant. On other transcripts: non-coding transcript variant (1).
Genome position (GRCh38, 1-based): chr2:166,037,818, G>C on the plus strand (C>G on the coding strand, the complement: SCN1A is on the minus strand). VCF-style: chr2-166037818-G-C. GRCh37 (hg19) VCF-style: chr2-166894328-G-C.
Other names: c.2820C>G, p.Cys940Trp (NM_001165964.3, NM_001353957.2, NM_001353958.2); c.2904C>G, p.Cys968Trp (NM_001202435.3, NM_001353948.2); c.2871C>G, p.Cys957Trp (NM_001353949.2, NM_001353950.2, NM_001353951.2 and 2 more transcripts); c.2868C>G, p.Cys956Trp (NM_001353954.2, NM_001353955.2); c.2817C>G, p.Cys939Trp (NM_001353960.2); c.462C>G, p.Cys154Trp (NM_001353961.2); short protein forms C154W, C939W, C940W, C956W, C957W, C968W.
Identifiers: ClinVar variation 1068194 (VCV001068194.10), dbSNP rs922757507, ClinGen allele CA349060905.